The following is an entry in ClinVar:

ClinVar aggregate classification (germline): Uncertain significance (0 of 4 stars; one submission).

Submission:

Richard Lifton Laboratory, Yale University School of Medicine
Classification: Uncertain significance. Review status: no assertion criteria provided. Collection method: not provided. Allele origin: somatic.
Comment: KIRREL2
ClinVar note: Converted during submission from unknown to Uncertain significance.

NM_199180.4(KIRREL2):c.343G>A (p.Ala115Thr)

Gene: KIRREL2 (kirre like nephrin family adhesion molecule 2; plus strand). Cytogenetic location: 19q13.12.
Variant type: single nucleotide variant.
Coding change: c.343G>A on transcript NM_199180.4 (MANE Select); coding-DNA position 343, G replaced by A.
Protein change: p.Ala115Thr; replaces alanine 115 with threonine.
Molecular consequence: missense variant.
Genome position (GRCh38, 1-based): chr19:35,858,539, G>A. VCF-style: chr19-35858539-G-A. GRCh37 (hg19) VCF-style: chr19-36349441-G-A.
Other names: c.193G>A, p.Ala65Thr (NM_001329530.2, NM_199179.4); c.343G>A, p.Ala115Thr (NM_001363667.2, NM_032123.7); short protein forms A115T, A65T.
Identifiers: ClinVar variation 92039 (VCV000092039.2), dbSNP rs386352322, ClinGen allele CA232403.